The following is an entry in ClinVar:

ClinVar aggregate classification (germline): Uncertain significance. Review status: criteria provided, multiple submitters, no conflicts (2 of 4 stars). 2 submissions from 2 submitters: Uncertain significance (2). Last evaluated 2024-05-15.

Conditions:
Inborn genetic diseases. Identifiers: MedGen C0950123, MeSH D030342.
Autosomal dominant Parkinson disease 8. Also called: LRRK2-Related Parkinson Disease; Parkinson disease 8; Parkinson disease 8, susceptibility to. Identifiers: Orphanet 411602, MedGen C1846862, MONDO:0011764, OMIM 607060.

Allele frequency attached by ClinVar (database versions not stated): gnomAD exomes below 0.00001; ExAC 0.00001.

Submissions (2):

Ambry Genetics
Classification: Uncertain significance for Inborn genetic diseases. Last evaluated: 2024-05-15. Review status: criteria provided, single submitter. Criteria: Ambry Variant Classification Scheme 2023. Collection method: clinical testing. Allele origin: germline.
Comment: The p.N24S variant (also known as c.71A>G), located in coding exon 1 of the LRRK2 gene, results from an A to G substitution at nucleotide position 71. The asparagine at codon 24 is replaced by serine, an amino acid with highly similar properties. This amino acid position is conserved. In addition, this alteration is predicted to be tolerated by in silico analysis. Based on the available evidence, the clinical significance of this variant remains unclear.

Labcorp Genetics (formerly Invitae), Labcorp
Classification: Uncertain significance for Autosomal dominant Parkinson disease 8. Last evaluated: 2022-05-23. Review status: criteria provided, single submitter. Criteria: Invitae Variant Classification Sherloc (09022015). Collection method: clinical testing. Allele origin: germline.
Comment: In summary, the available evidence is currently insufficient to determine the role of this variant in disease. Therefore, it has been classified as a Variant of Uncertain Significance. Algorithms developed to predict the effect of missense changes on protein structure and function (SIFT, PolyPhen-2, Align-GVGD) all suggest that this variant is likely to be tolerated. This variant has not been reported in the literature in individuals affected with LRRK2-related conditions. This variant is present in population databases (rs778678298, gnomAD 0.004%). This sequence change replaces asparagine, which is neutral and polar, with serine, which is neutral and polar, at codon 24 of the LRRK2 protein (p.Asn24Ser).

NM_198578.4(LRRK2):c.71A>G (p.Asn24Ser)

Gene: LRRK2 (leucine rich repeat kinase 2; plus strand). Cytogenetic location: 12q12.
Variant type: single nucleotide variant.
Coding change: c.71A>G on transcript NM_198578.4 (MANE Select); coding-DNA position 71, A replaced by G.
Protein change: p.Asn24Ser; replaces asparagine 24 with serine.
Molecular consequence: missense variant.
Genome position (GRCh38, 1-based): chr12:40,225,202, A>G. VCF-style: chr12-40225202-A-G. GRCh37 (hg19) VCF-style: chr12-40619004-A-G.
Other names: c.71A>G (NM_198578.3); short protein forms N24S.
Identifiers: ClinVar variation 1937984 (VCV001937984.6), dbSNP rs778678298, ClinGen allele CA6512974.